The following is an entry in ClinVar:

ClinVar aggregate classification (germline): Uncertain significance. Review status: criteria provided, multiple submitters, no conflicts (2 of 4 stars). 6 submissions from 6 submitters: Uncertain significance (5). 1 of the submissions does not count toward it. Last evaluated 2026-01-06.

Conditions:
Hereditary cancer-predisposing syndrome. Also called: Neoplastic Syndromes, Hereditary; Tumor predisposition; Hereditary Cancer Syndrome; Hereditary neoplastic syndrome. Identifiers: Orphanet 140162, MedGen C0027672, MeSH D009386, MONDO:0015356.
Multiple endocrine neoplasia, type 2 (MEN2). Identifiers: Orphanet 653, MedGen C4048306, MONDO:0019003. Disease mechanism: gain of function.
Multiple endocrine neoplasia type 2A. Also called: MULTIPLE ENDOCRINE NEOPLASIA, TYPE IIA; PTC SYNDROME; SIPPLE SYNDROME; MEN 2A; MEN-2A syndrome; Pheochromocytoma and amyloid producing medullary thyroid carcinoma. Identifiers: Orphanet 247698, Orphanet 653, MedGen C0025268, MeSH D018813, MONDO:0008234, OMIM 171400.

Allele frequency attached by ClinVar (database versions not stated): gnomAD exomes below 0.00001; gnomAD 0.00001; TOPMed 0.00001.
gnomAD v4.1: 4 of 1,605,194 alleles (0.00025%); highest among the groups gnomAD compares: Admixed American, 0.0017%; no homozygotes.

Submissions (6):

Labcorp Genetics (formerly Invitae), Labcorp
Classification: Uncertain significance for Multiple endocrine neoplasia, type 2. Last evaluated: 2026-01-06. Review status: criteria provided, single submitter. Criteria: Invitae Variant Classification Sherloc (09022015). Collection method: clinical testing. Allele origin: germline.
Comment: This sequence change falls in intron 9 of the RET gene. It does not directly change the encoded amino acid sequence of the RET protein. It affects a nucleotide within the consensus splice site. This variant is not present in population databases (gnomAD no frequency). This variant has been observed in individual(s) with breast cancer (PMID: 35264596). ClinVar contains an entry for this variant (Variation ID: 141420). Variants that disrupt the consensus splice site are a relatively common cause of aberrant splicing (PMID: 17576681, 9536098). Algorithms developed to predict the effect of sequence changes on RNA splicing suggest that this variant is not likely to affect RNA splicing. In summary, the available evidence is currently insufficient to determine the role of this variant in disease. Therefore, it has been classified as a Variant of Uncertain Significance.

All of Us Research Program, National Institutes of Health
Classification: Uncertain significance for Multiple endocrine neoplasia, type 2. Last evaluated: 2024-05-14. Review status: criteria provided, single submitter. Criteria: ACMG Guidelines, 2015. Collection method: clinical testing. Allele origin: germline. Inheritance: Autosomal dominant inheritance. Observed: 1 variant allele, 1 heterozygote.
Comment: This variant causes a C to T nucleotide substitution at the -3 position of intron 9 of the RET gene. To our knowledge, functional studies have not been reported for this variant. This variant has been reported in an individual affected with breast cancer (PMID: 35264596). This variant has not been identified in the general population by the Genome Aggregation Database (gnomAD). The available evidence is insufficient to determine the role of this variant in disease conclusively. Therefore, this variant is classified as a Variant of Uncertain Significance.

This study involves interpretation of variants in research participants for the purpose of population health screening. Participant phenotype was not available at the time of variant classification. Additional details can be found in publication PMID: 35346344, PMCID: PMC8962531

Ambry Genetics
Classification: Uncertain significance for Hereditary cancer-predisposing syndrome. Last evaluated: 2024-04-30. Review status: criteria provided, single submitter. Criteria: Ambry Variant Classification Scheme 2023. Collection method: clinical testing. Allele origin: germline.
Comment: The c.1760-3C>T intronic variant results from a C to T substitution 3 nucleotides upstream from coding exon 10 in the RET gene. This nucleotide position is well conserved in available vertebrate species. In silico splice site analysis predicts that this alteration will not have any significant effect on splicing. Since supporting evidence is limited at this time, the clinical significance of this alteration remains unclear.

Myriad Genetics, Inc.
Classification: Uncertain significance for Multiple endocrine neoplasia type 2A. Last evaluated: 2023-04-18. Review status: criteria provided, single submitter. Criteria: Myriad Autosomal Dominant, Autosomal Recessive and X-Linked Classification Criteria (2023). Collection method: clinical testing. Allele origin: unknown.
Comment: This variant is classified as a variant of uncertain significance as there is insufficient evidence to determine its impact on protein function and/or cancer risk.

Mendelics
Classification: Uncertain significance for Multiple endocrine neoplasia, type 2a. Last evaluated: 2018-07-02. Review status: criteria provided, single submitter. Criteria: Mendelics Assertion Criteria 2017. Collection method: clinical testing. Allele origin: unknown.

Counsyl
Classification: Uncertain significance for Multiple endocrine neoplasia type 2A. Last evaluated: 2017-10-23. Review status: no assertion criteria provided. Collection method: clinical testing. Allele origin: unknown. Not counted in ClinVar's aggregate classification.

Literature cited by the submitters: PubMed 35264596 (cited by Labcorp Genetics (formerly Invitae), Labcorp and All of Us Research Program, National Institutes of Health); PubMed 17576681 (cited by Labcorp Genetics (formerly Invitae), Labcorp); PubMed 9536098 (cited by Labcorp Genetics (formerly Invitae), Labcorp).

NM_020975.6(RET):c.1760-3C>T

Gene: RET (ret proto-oncogene; plus strand). Cytogenetic location: 10q11.21.
Variant type: single nucleotide variant.
Coding change: c.1760-3C>T on transcript NM_020975.6 (MANE Select); 3 bases into the intron before coding-DNA position 1760, C replaced by T.
Molecular consequence: intron variant.
Genome position (GRCh38, 1-based): chr10:43,113,553, C>T. VCF-style: chr10-43113553-C-T. GRCh37 (hg19) VCF-style: chr10-43609001-C-T.
Other names: c.1760-3C>T (NM_020630.7, NM_001406743.1, NM_001406744.1 and 4 more transcripts); c.1364-3C>T (NM_001406772.1, NM_001406769.1); c.1322-3C>T (NM_001406773.1, NM_001406771.1); c.863-3C>T (NM_001406782.1, NM_001406780.1, NM_001406779.1 and 2 more transcripts); c.862+590C>T (NM_001406785.1); c.1631-3C>T (NM_001406764.1, NM_001406762.1, NM_001406761.1 and 1 more transcripts); c.1235-3C>T (NM_001406774.1); c.734-3C>T (NM_001406786.1, NM_001406783.1); and 7 more.
Identifiers: ClinVar variation 141420 (VCV000141420.27), dbSNP rs587781734, ClinGen allele CA007744.